The following is an entry in ClinVar:

NM_021629.4(GNB4):c.356A>G (p.Asn119Ser)

Gene: GNB4 (G protein subunit beta 4; minus strand). Cytogenetic location: 3q26.33.
Variant type: single nucleotide variant.
Coding change: c.356A>G on transcript NM_021629.4 (MANE Select); coding-DNA position 356, A replaced by G.
Protein change: p.Asn119Ser; replaces asparagine 119 with serine.
Molecular consequence: missense variant.
Genome position (GRCh38, 1-based): chr3:179,414,959, T>C on the plus strand (A>G on the coding strand, the complement: GNB4 is on the minus strand). VCF-style: chr3-179414959-T-C. GRCh37 (hg19) VCF-style: chr3-179132747-T-C.
Other names: short protein forms N119S.
Identifiers: ClinVar variation 1465108 (VCV001465108.6), dbSNP rs2108591079, ClinGen allele CA355470030.
Genomic context (GRCh38, chr3:179,414,959, plus strand): 5'-AACTCTCGGCTTACTCTCACATTTCCCTCTCTGGTCTTTAAGTTATATATAGAGCAGATG[T>C]TGTCCAAGCCTCCACAGGCAACATAATTACCAGAGGGAGCATAAGCACAGGTCATCACCC-3'
Protein context (NP_067642.1, residues 109-129): GNYVACGGLD[Asn119Ser]ICSIYNLKTR

ClinVar aggregate classification (germline): Uncertain significance (1 of 4 stars; one submission).

Conditions:
Charcot-Marie-Tooth disease dominant intermediate F. Identifiers: Orphanet 352670, MedGen C4749463, MONDO:0014074, OMIM 615185.

Submission:

Labcorp Genetics (formerly Invitae), Labcorp
Classification: Uncertain significance for Charcot-Marie-Tooth disease dominant intermediate F. Last evaluated: 2021-11-26. Review status: criteria provided, single submitter. Criteria: Invitae Variant Classification Sherloc (09022015). Collection method: clinical testing. Allele origin: germline.
Comment: This sequence change replaces asparagine, which is neutral and polar, with serine, which is neutral and polar, at codon 119 of the GNB4 protein (p.Asn119Ser). This variant is not present in population databases (gnomAD no frequency). This variant has not been reported in the literature in individuals affected with GNB4-related conditions. Algorithms developed to predict the effect of missense changes on protein structure and function (SIFT, PolyPhen-2, Align-GVGD) all suggest that this variant is likely to be disruptive. In summary, the available evidence is currently insufficient to determine the role of this variant in disease. Therefore, it has been classified as a Variant of Uncertain Significance.